The following is an entry in ClinVar:

NM_001606.5(ABCA2):c.6889G>C (p.Val2297Leu)

Gene: ABCA2 (ATP binding cassette subfamily A member 2; minus strand). Cytogenetic location: 9q34.3.
Variant type: single nucleotide variant.
Coding change: c.6889G>C on transcript NM_001606.5 (MANE Select); coding-DNA position 6889, G replaced by C.
Protein change: p.Val2297Leu; replaces valine 2297 with leucine.
Molecular consequence: missense variant.
Genome position (GRCh38, 1-based): chr9:137,008,992, C>G on the plus strand (G>C on the coding strand, the complement: ABCA2 is on the minus strand). VCF-style: chr9-137008992-C-G. GRCh37 (hg19) VCF-style: chr9-139903444-C-G.
Other names: c.6886G>C, p.Val2296Leu (NM_001411042.1); c.6979G>C, p.Val2327Leu (NM_212533.3); short protein forms V2296L, V2297L, V2327L.
Identifiers: ClinVar variation 3393619 (VCV003393619.1).
Genomic context (GRCh38, chr9:137,008,992, plus strand): 5'-CCTGCCCGGGACGGCGCACCTTGAGCATGGCTTCCGGGAAGTTGCGGTTGAAGAACCGCA[C>G]CACGTCCTTCACACTCTGGCTGCTCTTGGTCCGCACCGTGATCATGTAGCCATCTCCAAA-3'
Protein context (NP_001597.2, residues 2287-2307): TKSSQSVKDV[Val2297Leu]RFFNRNFPEA

ClinVar aggregate classification (germline): Uncertain significance (1 of 4 stars; one submission).

Submission:

GeneDx
Classification: Uncertain significance. Last evaluated: 2024-07-01. Review status: criteria provided, single submitter. Criteria: GeneDx Variant Classification Process June 2021. Collection method: clinical testing. Allele origin: germline. Affected: yes.
Comment: In silico analysis indicates that this missense variant does not alter protein structure/function; Has not been previously published as pathogenic or benign to our knowledge